The following is an entry in ClinVar:

ClinVar aggregate classification (germline): Uncertain significance. Review status: criteria provided, multiple submitters, no conflicts (2 of 4 stars). 2 submissions from 2 submitters: Uncertain significance (2). Last evaluated 2024-09-16.

Conditions:
Hereditary cancer-predisposing syndrome. Also called: Hereditary Cancer Syndrome; Tumor predisposition; Neoplastic Syndromes, Hereditary; Hereditary neoplastic syndrome. Identifiers: Orphanet 140162, MedGen C0027672, MeSH D009386, MONDO:0015356.
Hereditary diffuse gastric adenocarcinoma (HDGC). Also called: DIFFUSE GASTRIC AND LOBULAR BREAST CANCER SYNDROME. Identifiers: Orphanet 26106, MedGen C1708349, MONDO:0007648, OMIM 137215.

Submissions (2):

Ambry Genetics
Classification: Uncertain significance for Hereditary cancer-predisposing syndrome. Last evaluated: 2024-09-16. Review status: criteria provided, single submitter. Criteria: Ambry Variant Classification Scheme 2023. Collection method: clinical testing. Allele origin: germline.
Comment: The p.T263A variant (also known as c.787A>G), located in coding exon 6 of the CDH1 gene, results from an A to G substitution at nucleotide position 787. The threonine at codon 263 is replaced by alanine, an amino acid with similar properties. This amino acid position is conserved. In addition, this alteration is predicted to be tolerated by in silico analysis. Based on the available evidence, the clinical significance of this variant remains unclear.

Labcorp Genetics (formerly Invitae), Labcorp
Classification: Uncertain significance for Hereditary diffuse gastric adenocarcinoma. Last evaluated: 2022-01-06. Review status: criteria provided, single submitter. Criteria: Invitae Variant Classification Sherloc (09022015). Collection method: clinical testing. Allele origin: germline.
Comment: In summary, the available evidence is currently insufficient to determine the role of this variant in disease. Therefore, it has been classified as a Variant of Uncertain Significance. Algorithms developed to predict the effect of missense changes on protein structure and function (SIFT, PolyPhen-2, Align-GVGD) all suggest that this variant is likely to be tolerated. ClinVar contains an entry for this variant (Variation ID: 647711). This variant has not been reported in the literature in individuals affected with CDH1-related conditions. This variant is not present in population databases (gnomAD no frequency). This sequence change replaces threonine, which is neutral and polar, with alanine, which is neutral and non-polar, at codon 263 of the CDH1 protein (p.Thr263Ala).

NM_004360.5(CDH1):c.787A>G (p.Thr263Ala)

Gene: CDH1 (cadherin 1; plus strand). Cytogenetic location: 16q22.1.
Variant type: single nucleotide variant.
Coding change: c.787A>G on transcript NM_004360.5 (MANE Select); coding-DNA position 787, A replaced by G.
Protein change: p.Thr263Ala; replaces threonine 263 with alanine.
Molecular consequence: missense variant. On other transcripts: 5 prime UTR variant (2).
Genome position (GRCh38, 1-based): chr16:68,810,296, A>G. VCF-style: chr16-68810296-A-G. GRCh37 (hg19) VCF-style: chr16-68844199-A-G.
Other names: c.787A>G, p.Thr263Ala (NM_001317184.2); c.-829A>G (NM_001317185.2); c.-1033A>G (NM_001317186.2); c.787A>G (LRG_301t1); short protein forms T263A.
Identifiers: ClinVar variation 647711 (VCV000647711.10), dbSNP rs1555515453, ClinGen allele CA396458754.
Genomic context (GRCh38, chr16:68,810,296, plus strand): 5'-GAGGATCCAATGGAGATTTTGATCACGGTAACCGATCAGAATGACAACAAGCCCGAATTC[A>G]CCCAGGAGGTCTTTAAGGGGTCTGTCATGGAAGGTGCTCTTCCAGGTATATCCACTAATG-3'
Protein context (NP_004351.1, residues 253-273): TDQNDNKPEF[Thr263Ala]QEVFKGSVME